The following is an entry in ClinVar:

ClinVar aggregate classification (germline): Uncertain significance. Review status: criteria provided, multiple submitters, no conflicts (2 of 4 stars). 3 submissions from 3 submitters: Uncertain significance (3). Last evaluated 2025-01-09.

Conditions:
Inborn genetic diseases. Identifiers: MedGen C0950123, MeSH D030342.
Facioscapulohumeral muscular dystrophy 2 (FSHD2). Also called: MUSCULAR DYSTROPHY, FACIOSCAPULOHUMERAL, TYPE 1B; FACIOSCAPULOHUMERAL MUSCULAR DYSTROPHY 2, DIGENIC; FSHD2, DIGENIC. Identifiers: Orphanet 269, MedGen C1834671, MONDO:0008031, OMIM 158901.

Allele frequency attached by ClinVar (database versions not stated): gnomAD 0.00001; gnomAD exomes 0.00002; TOPMed 0.00002; ExAC 0.00010; 1000 Genomes Project 0.00020; 1000 Genomes Project 30x 0.00031.
gnomAD v4.1: 31 of 1,592,212 alleles (0.0019%); highest among the groups gnomAD compares: African/African-American, 0.0067%; no homozygotes.

Submissions (3):

Ambry Genetics
Classification: Uncertain significance for Inborn genetic diseases. Last evaluated: 2025-01-09. Review status: criteria provided, single submitter. Criteria: Ambry Variant Classification Scheme 2023. Collection method: clinical testing. Allele origin: germline.

Labcorp Genetics (formerly Invitae), Labcorp
Classification: Uncertain significance for Facioscapulohumeral muscular dystrophy 2. Last evaluated: 2023-07-10. Review status: criteria provided, single submitter. Criteria: Invitae Variant Classification Sherloc (09022015). Collection method: clinical testing. Allele origin: germline.
Comment: In summary, the available evidence is currently insufficient to determine the role of this variant in disease. Therefore, it has been classified as a Variant of Uncertain Significance. Advanced modeling of protein sequence and biophysical properties (such as structural, functional, and spatial information, amino acid conservation, physicochemical variation, residue mobility, and thermodynamic stability) performed at Invitae indicates that this missense variant is expected to disrupt SMCHD1 protein function. ClinVar contains an entry for this variant (Variation ID: 501486). This variant has not been reported in the literature in individuals affected with SMCHD1-related conditions. This variant is present in population databases (rs529127480, gnomAD 0.02%). This sequence change replaces isoleucine, which is neutral and non-polar, with valine, which is neutral and non-polar, at codon 666 of the SMCHD1 protein (p.Ile666Val).

Eurofins Ntd Llc (ga)
Classification: Uncertain significance. Last evaluated: 2017-04-25. Review status: criteria provided, single submitter. Criteria: EGL Classification Definitions 2015. Collection method: clinical testing. Allele origin: germline. Observed: 1 variant allele, 1 heterozygote.

NM_015295.3(SMCHD1):c.1996A>G (p.Ile666Val)

Gene: SMCHD1 (structural maintenance of chromosomes flexible hinge domain containing 1; plus strand). Cytogenetic location: 18p11.32.
Variant type: single nucleotide variant.
Coding change: c.1996A>G on transcript NM_015295.3 (MANE Select); coding-DNA position 1996, A replaced by G.
Protein change: p.Ile666Val; replaces isoleucine 666 with valine.
Molecular consequence: missense variant.
Genome position (GRCh38, 1-based): chr18:2,706,403, A>G. VCF-style: chr18-2706403-A-G. GRCh37 (hg19) VCF-style: chr18-2706401-A-G.
Other names: short protein forms I666V.
Identifiers: ClinVar variation 501486 (VCV000501486.15), dbSNP rs529127480, ClinGen allele CA8870857.